The following is an entry in ClinVar:

NM_001303052.2(MYT1L):c.2881G>A (p.Gly961Ser)

Gene: MYT1L (myelin transcription factor 1 like; minus strand). Cytogenetic location: 2p25.3.
Variant type: single nucleotide variant.
Coding change: c.2881G>A on transcript NM_001303052.2 (MANE Select); coding-DNA position 2881, G replaced by A.
Protein change: p.Gly961Ser; replaces glycine 961 with serine.
Molecular consequence: missense variant.
Genome position (GRCh38, 1-based): chr2:1,839,348, C>T on the plus strand (G>A on the coding strand, the complement: MYT1L is on the minus strand). VCF-style: chr2-1839348-C-T. GRCh37 (hg19) VCF-style: chr2-1843120-C-T.
Other names: c.2881G>A, p.Gly961Ser (NM_001329844.2, NM_001329845.1, NM_001329851.3); c.2875G>A, p.Gly959Ser (NM_001329846.3, NM_001329847.2, NM_001329848.1 and 3 more transcripts); short protein forms G959S, G961S.
Identifiers: ClinVar variation 432388 (VCV000432388.2), dbSNP rs1443529083, ClinGen allele CA345699820.

ClinVar aggregate classification (germline): Uncertain significance (1 of 4 stars; one submission).

Allele frequency attached by ClinVar (database versions not stated): gnomAD exomes below 0.00001 and 0.00001.
gnomAD v4.1: 3 of 1,613,014 alleles (0.00019%); highest among the groups gnomAD compares: Admixed American, 0.0017%; no homozygotes.

Submission:

GeneDx
Classification: Uncertain significance. Last evaluated: 2017-06-02. Review status: criteria provided, single submitter. Criteria: GeneDx Variant Classification (06012015). Collection method: clinical testing. Allele origin: germline. Affected: yes.
Comment: The G959S variant in the MYT1L gene has not been reported previously as a pathogenic variant, nor as a benign variant, to our knowledge. The G959S variant is not observed in large population cohorts (Lek et al., 2016; 1000 Genomes Consortium et al., 2015; Exome Variant Server). The G959S variant is a non-conservative amino acid substitution, which is likely to impact secondary protein structure as these residues differ in polarity, charge, size and/or other properties. This substitution occurs at a position that is conserved across species. In silico analysis predicts this variant is probably damaging to the protein structure/function. We interpret G959S as a variant of uncertain significance.